The following is an entry in ClinVar:

NM_007215.4(POLG2):c.230A>G (p.His77Arg)

Genes: POLG2 (DNA polymerase gamma 2, accessory subunit; minus strand), MILR1 (mast cell immunoglobulin like receptor 1; plus strand). Cytogenetic location: 17q23.3.
Variant type: single nucleotide variant.
Coding change: c.230A>G on transcript NM_007215.4 (MANE Select); coding-DNA position 230, A replaced by G.
Protein change: p.His77Arg; replaces histidine 77 with arginine.
Molecular consequence: missense variant.
Genome position (GRCh38, 1-based): chr17:64,496,739, T>C on the plus strand (A>G on the coding strand, the complement: POLG2 is on the minus strand). VCF-style: chr17-64496739-T-C. GRCh37 (hg19) VCF-style: chr17-62492857-T-C.
Other names: short protein forms H77R.
Identifiers: ClinVar variation 1418047 (VCV001418047.8), dbSNP rs1360382962, ClinGen allele CA400641372.

ClinVar aggregate classification (germline): Uncertain significance (1 of 4 stars; one submission).

Allele frequency attached by ClinVar (database versions not stated): gnomAD exomes below 0.00001 and 0.00001; gnomAD 0.00001; TOPMed 0.00001.
gnomAD v4.1: 4 of 1,613,904 alleles (0.00025%); highest among the groups gnomAD compares: African/African-American, 0.0013%; no homozygotes.

Submission:

Labcorp Genetics (formerly Invitae), Labcorp
Classification: Uncertain significance. Last evaluated: 2022-12-06. Review status: criteria provided, single submitter. Criteria: Invitae Variant Classification Sherloc (09022015). Collection method: clinical testing. Allele origin: germline.
Comment: This sequence change replaces histidine, which is basic and polar, with arginine, which is basic and polar, at codon 77 of the POLG2 protein (p.His77Arg). This variant is present in population databases (no rsID available, gnomAD 0.0009%). This variant has not been reported in the literature in individuals affected with POLG2-related conditions. ClinVar contains an entry for this variant (Variation ID: 1418047). Algorithms developed to predict the effect of missense changes on protein structure and function output the following: SIFT: "Tolerated"; PolyPhen-2: "Benign"; Align-GVGD: "Class C0". The arginine amino acid residue is found in multiple mammalian species, which suggests that this missense change does not adversely affect protein function. In summary, the available evidence is currently insufficient to determine the role of this variant in disease. Therefore, it has been classified as a Variant of Uncertain Significance.